The following is an entry in ClinVar:

NM_013314.4(BLNK):c.1276A>T (p.Ile426Phe)

Genes: ZNF518A (zinc finger protein 518A; plus strand), BLNK (B cell linker; minus strand). Cytogenetic location: 10q24.1.
Variant type: single nucleotide variant.
Coding change: c.1276A>T on transcript NM_013314.4 (MANE Select); coding-DNA position 1276, A replaced by T.
Protein change: p.Ile426Phe; replaces isoleucine 426 with phenylalanine.
Molecular consequence: missense variant. On other transcripts: non-coding transcript variant (4).
Genome position (GRCh38, 1-based): chr10:96,192,068, T>A on the plus strand (A>T on the coding strand, the complement: BLNK is on the minus strand). VCF-style: chr10-96192068-T-A. GRCh37 (hg19) VCF-style: chr10-97951824-T-A.
Other names: c.1207A>T, p.Ile403Phe (NM_001114094.2); c.1120A>T, p.Ile374Phe (NM_001258440.2); c.1051A>T, p.Ile351Phe (NM_001258441.2); c.805A>T, p.Ile269Phe (NM_001258442.2); short protein forms I269F, I351F, I374F, I403F, I426F.
Identifiers: ClinVar variation 1006433 (VCV001006433.9), dbSNP rs2083340048, ClinGen allele CA377715229.

ClinVar aggregate classification (germline): Uncertain significance (1 of 4 stars; one submission).

Conditions:
Agammaglobulinemia 4, autosomal recessive (AGM4). Also called: AGAMMAGLOBULINEMIA, AUTOSOMAL RECESSIVE, DUE TO BLNK DEFECT; B cell linker protein deficiency. Identifiers: MedGen C3150752, MONDO:0013289, OMIM 613502.

Submission:

Labcorp Genetics (formerly Invitae), Labcorp
Classification: Uncertain significance for Agammaglobulinemia 4, autosomal recessive. Last evaluated: 2020-02-11. Review status: criteria provided, single submitter. Criteria: Invitae Variant Classification Sherloc (09022015). Collection method: clinical testing. Allele origin: germline.
Comment: In summary, the available evidence is currently insufficient to determine the role of this variant in disease. Therefore, it has been classified as a Variant of Uncertain Significance. Algorithms developed to predict the effect of missense changes on protein structure and function are either unavailable or do not agree on the potential impact of this missense change (SIFT: "Deleterious"; PolyPhen-2: "Probably Damaging"; Align-GVGD: "Class C0"). This variant has not been reported in the literature in individuals with BLNK-related conditions. This variant is not present in population databases (ExAC no frequency). This sequence change replaces isoleucine with phenylalanine at codon 426 of the BLNK protein (p.Ile426Phe). The isoleucine residue is highly conserved and there is a small physicochemical difference between isoleucine and phenylalanine.